The following is an entry in ClinVar:

ClinVar aggregate classification (germline): Uncertain significance (1 of 4 stars; one submission).

Allele frequency attached by ClinVar (database versions not stated): TOPMed below 0.00001; gnomAD 0.00001.
gnomAD v4.1: 2 of 1,606,526 alleles (0.00012%); highest among the groups gnomAD compares: Non-Finnish European, 0.00017%; no homozygotes.

Submission:

Labcorp Genetics (formerly Invitae), Labcorp
Classification: Uncertain significance. Last evaluated: 2024-01-29. Review status: criteria provided, single submitter. Criteria: Invitae Variant Classification Sherloc (09022015). Collection method: clinical testing. Allele origin: germline.
Comment: This sequence change replaces histidine, which is basic and polar, with asparagine, which is neutral and polar, at codon 111 of the HDAC4 protein (p.His111Asn). This variant is present in population databases (no rsID available, gnomAD 0.007%). This variant has not been reported in the literature in individuals affected with HDAC4-related conditions. Advanced modeling of protein sequence and biophysical properties (such as structural, functional, and spatial information, amino acid conservation, physicochemical variation, residue mobility, and thermodynamic stability) performed at Invitae indicates that this missense variant is expected to disrupt HDAC4 protein function with a positive predictive value of 80%. In summary, the available evidence is currently insufficient to determine the role of this variant in disease. Therefore, it has been classified as a Variant of Uncertain Significance.

NM_001378414.1(HDAC4):c.331C>A (p.His111Asn)

Gene: HDAC4 (histone deacetylase 4; minus strand). Cytogenetic location: 2q37.3.
Variant type: single nucleotide variant.
Coding change: c.331C>A on transcript NM_001378414.1 (MANE Select); coding-DNA position 331, C replaced by A.
Protein change: p.His111Asn; replaces histidine 111 with asparagine.
Molecular consequence: missense variant.
Genome position (GRCh38, 1-based): chr2:239,189,841, G>T on the plus strand (C>A on the coding strand, the complement: HDAC4 is on the minus strand). VCF-style: chr2-239189841-G-T. GRCh37 (hg19) VCF-style: chr2-240111537-G-T.
Other names: c.331C>A, p.His111Asn (NM_001378415.1, NM_001378416.1, NM_001378417.1 and 1 more transcripts); short protein forms H111N.
Identifiers: ClinVar variation 3015044 (VCV003015044.3), dbSNP rs1474962387, ClinGen allele CA351275232.